The following is an entry in ClinVar:

NM_000448.3(RAG1):c.3061C>A (p.Pro1021Thr)

Gene: RAG1 (recombination activating 1; plus strand). Cytogenetic location: 11p12.
Variant type: single nucleotide variant.
Coding change: c.3061C>A on transcript NM_000448.3 (MANE Select); coding-DNA position 3061, C replaced by A.
Protein change: p.Pro1021Thr; replaces proline 1021 with threonine.
Molecular consequence: missense variant.
Genome position (GRCh38, 1-based): chr11:36,576,365, C>A. VCF-style: chr11-36576365-C-A. GRCh37 (hg19) VCF-style: chr11-36597915-C-A.
Other names: c.3061C>A, p.Pro1021Thr (NM_001377277.1, NM_001377278.1, NM_001377279.1 and 1 more transcripts); short protein forms P1021T.
Identifiers: ClinVar variation 1955389 (VCV001955389.2), dbSNP rs1156384693, ClinGen allele CA380136901.

ClinVar aggregate classification (germline): Uncertain significance (1 of 4 stars; one submission).

Conditions:
Combined immunodeficiency with skin granulomas. Identifiers: Orphanet 157949, MedGen C2673536, MONDO:0009306, OMIM 233650.
Severe combined immunodeficiency, autosomal recessive, T cell-negative, B cell-negative, NK cell-positive. Also called: Severe combined immunodeficiency due to complete RAG1/2 deficiency; SCID, AR, T-cell negative, B-cell negative, NK cell-positive; SCID, T CELL-NEGATIVE, B CELL-NEGATIVE, NK CELL-POSITIVE. Identifiers: Orphanet 331206, MedGen C1832322, MONDO:0011086, OMIM 601457.

gnomAD v4.1: 6 of 1,614,072 alleles (0.00037%); highest among the groups gnomAD compares: Non-Finnish European, 0.00051%; no homozygotes.

Submission:

Labcorp Genetics (formerly Invitae), Labcorp
Classification: Uncertain significance for Combined immunodeficiency with skin granulomas; Severe combined immunodeficiency, autosomal recessive, T cell-negative, B cell-negative, NK cell-positive. Last evaluated: 2022-02-16. Review status: criteria provided, single submitter. Criteria: Invitae Variant Classification Sherloc (09022015). Collection method: clinical testing. Allele origin: germline.
Comment: This sequence change replaces proline, which is neutral and non-polar, with threonine, which is neutral and polar, at codon 1021 of the RAG1 protein (p.Pro1021Thr). This variant is not present in population databases (gnomAD no frequency). This variant has not been reported in the literature in individuals affected with RAG1-related conditions. Advanced modeling of protein sequence and biophysical properties (such as structural, functional, and spatial information, amino acid conservation, physicochemical variation, residue mobility, and thermodynamic stability) performed at Invitae indicates that this missense variant is not expected to disrupt RAG1 protein function. In summary, the available evidence is currently insufficient to determine the role of this variant in disease. Therefore, it has been classified as a Variant of Uncertain Significance.